The following is an entry in ClinVar:

ClinVar aggregate classification (germline): Uncertain significance. Review status: criteria provided, multiple submitters, no conflicts (2 of 4 stars). 2 submissions from 2 submitters: Uncertain significance (2). Last evaluated 2021-08-03.

Allele frequency attached by ClinVar (database versions not stated): TOPMed 0.00002.

Submissions (2):

Labcorp Genetics (formerly Invitae), Labcorp
Classification: Uncertain significance. Last evaluated: 2021-08-03. Review status: criteria provided, single submitter. Criteria: Invitae Variant Classification Sherloc (09022015). Collection method: clinical testing. Allele origin: germline.
Comment: This sequence change replaces alanine with valine at codon 6 of the ISCU protein (p.Ala6Val). The alanine residue is weakly conserved and there is a small physicochemical difference between alanine and valine. The frequency data for this variant in the population databases is considered unreliable, as metrics indicate insufficient coverage at this position in the ExAC database. This variant has not been reported in the literature in individuals affected with ISCU-related conditions. ClinVar contains an entry for this variant (Variation ID: 374542). Algorithms developed to predict the effect of missense changes on protein structure and function are either unavailable or do not agree on the potential impact of this missense change (SIFT: "Tolerated"; PolyPhen-2: "Not Available"; Align-GVGD: "Class C0"). In summary, the available evidence is currently insufficient to determine the role of this variant in disease. Therefore, it has been classified as a Variant of Uncertain Significance.

CeGaT Center for Human Genetics Tuebingen
Classification: Uncertain significance. Last evaluated: 2016-08-31. Review status: criteria provided, single submitter. Criteria: Praxis fuer Humangenetik Tuebingen - Variant Classification Criteria. Collection method: clinical testing. Allele origin: germline. Affected: yes. Observed: 1 variant allele.

NM_213595.4(ISCU):c.17C>T (p.Ala6Val)

Gene: ISCU (iron-sulfur cluster assembly enzyme; plus strand). Cytogenetic location: 12q23.3.
Variant type: single nucleotide variant.
Coding change: c.17C>T on transcript NM_213595.4 (MANE Select); coding-DNA position 17, C replaced by T.
Protein change: p.Ala6Val; replaces alanine 6 with valine.
Molecular consequence: missense variant. On other transcripts: 5 prime UTR variant (1), non-coding transcript variant (1).
Genome position (GRCh38, 1-based): chr12:108,562,639, C>T. VCF-style: chr12-108562639-C-T. GRCh37 (hg19) VCF-style: chr12-108956415-C-T.
Other names: c.17C>T, p.Ala6Val (NM_001301140.1, NM_001301141.1, NM_001320042.1); c.-155C>T (NM_014301.4); short protein forms A6V.
Identifiers: ClinVar variation 374542 (VCV000374542.6), dbSNP rs764795692, ClinGen allele CA16043786.